The following is an entry in ClinVar:

ClinVar aggregate classification (germline): Uncertain significance (1 of 4 stars; one submission).

Allele frequency attached by ClinVar (database versions not stated): gnomAD exomes below 0.00001.
gnomAD v4.1: 1 of 1,613,280 alleles (0.000062%); highest among the groups gnomAD compares: Non-Finnish European, 0.000085%; no homozygotes.

Submission:

Labcorp Genetics (formerly Invitae), Labcorp
Classification: Uncertain significance. Last evaluated: 2024-11-05. Review status: criteria provided, single submitter. Criteria: Invitae Variant Classification Sherloc (09022015). Collection method: clinical testing. Allele origin: germline.
Comment: This sequence change affects codon 535 of the PDE6C mRNA. It is a 'silent' change, meaning that it does not change the encoded amino acid sequence of the PDE6C protein. This variant is not present in population databases (gnomAD no frequency). This variant has not been reported in the literature in individuals affected with PDE6C-related conditions. ClinVar contains an entry for this variant (Variation ID: 2827525). Algorithms developed to predict the effect of sequence changes on RNA splicing suggest that this variant may disrupt the consensus splice site. In summary, the available evidence is currently insufficient to determine the role of this variant in disease. Therefore, it has been classified as a Variant of Uncertain Significance.

NM_006204.4(PDE6C):c.1605G>A (p.Val535=)

Gene: PDE6C (phosphodiesterase 6C; plus strand). Cytogenetic location: 10q23.33.
Variant type: single nucleotide variant.
Coding change: c.1605G>A on transcript NM_006204.4 (MANE Select); coding-DNA position 1605, G replaced by A.
Protein change: p.Val535=; no amino-acid change (valine 535 retained).
Molecular consequence: synonymous variant.
Genome position (GRCh38, 1-based): chr10:93,640,192, G>A. VCF-style: chr10-93640192-G-A. GRCh37 (hg19) VCF-style: chr10-95399949-G-A.
Identifiers: ClinVar variation 2827525 (VCV002827525.3), dbSNP rs2492532720, ClinGen allele CA470793480.